The following is an entry in ClinVar:

NM_020436.5(SALL4):c.90T>A (p.Phe30Leu)

Gene: SALL4 (spalt like transcription factor 4; minus strand). Cytogenetic location: 20q13.2.
Variant type: single nucleotide variant.
Coding change: c.90T>A on transcript NM_020436.5 (MANE Select); coding-DNA position 90, T replaced by A.
Protein change: p.Phe30Leu; replaces phenylalanine 30 with leucine.
Molecular consequence: missense variant.
Genome position (GRCh38, 1-based): chr20:51,802,319, A>T on the plus strand (T>A on the coding strand, the complement: SALL4 is on the minus strand). VCF-style: chr20-51802319-A-T. GRCh37 (hg19) VCF-style: chr20-50418858-A-T.
Other names: c.90T>A, p.Phe30Leu (NM_001318031.2); short protein forms F30L.
Identifiers: ClinVar variation 3587410 (VCV003587410.2).

ClinVar aggregate classification (germline): Uncertain significance. Review status: criteria provided, multiple submitters, no conflicts (2 of 4 stars). 2 submissions from 2 submitters: Uncertain significance (2). Last evaluated 2025-02-11.

Conditions:
Oculootoradial syndrome (IVIC). Also called: RADIAL RAY DEFECTS, HEARING IMPAIRMENT, EXTERNAL OPHTHALMOPLEGIA, AND THROMBOCYTOPENIA; IVIC syndrome. Identifiers: Orphanet 2307, MedGen C1327918, MONDO:0007836, OMIM 147750.
Duane-radial ray syndrome (DRRS). Also called: ACRORENOOCULAR SYNDROME; DR SYNDROME; DUANE ANOMALY WITH RADIAL RAY ABNORMALITIES AND DEAFNESS; Duane-Radial Ray Syndrome (DRRS) / Okihiro Syndrome; Okihiro Syndrome; Duane-Radial Ray Syndrome/Okihiro Syndrome. Identifiers: Orphanet 93293, Orphanet 959, MedGen C1623209, MONDO:0011812, OMIM 607323. Disease mechanism: gain of function.

gnomAD v4.1: 2 of 1,610,334 alleles (0.00012%); highest among the groups gnomAD compares: Admixed American, 0.0017%; no homozygotes.

Submissions (2):

Women's Health and Genetics/Laboratory Corporation of America, LabCorp
Classification: Uncertain significance. Last evaluated: 2025-02-11. Review status: criteria provided, single submitter. Criteria: LabCorp Variant Classification Summary - May 2015. Collection method: clinical testing. Allele origin: germline.
Comment: Variant summary: SALL4 c.90T>A (p.Phe30Leu) results in a non-conservative amino acid change in the encoded protein sequence. Four of five in-silico tools predict a benign effect of the variant on protein function. The variant allele was found at a frequency of 4.1e-06 in 241038 control chromosomes. The available data on variant occurrences in the general population are insufficient to allow any conclusion about variant significance. To our knowledge, no occurrence of c.90T>A in individuals affected with SALL4-Related Disorders and no experimental evidence demonstrating its impact on protein function have been reported. ClinVar contains an entry for this variant (Variation ID: 3587410). Based on the evidence outlined above, the variant was classified as uncertain significance.

Fulgent Genetics
Classification: Uncertain significance for Oculootoradial syndrome; Duane-radial ray syndrome. Last evaluated: 2024-03-18. Review status: criteria provided, single submitter. Criteria: ACMG Guidelines, 2015. Collection method: clinical testing. Allele origin: germline.